The following is an entry in ClinVar:

NM_000512.5(GALNS):c.-68C>T

Genes: GALNS (galactosamine (N-acetyl)-6-sulfatase; minus strand), TRAPPC2L (trafficking protein particle complex subunit 2L; plus strand), LOC130059762 (ATAC-STARR-seq lymphoblastoid silent region 7883; plus strand). Cytogenetic location: 16q24.3.
Variant type: single nucleotide variant.
Coding change: c.-68C>T on transcript NM_000512.5 (MANE Select); 68 bases upstream of the start codon, C replaced by T.
Molecular consequence: 5 prime UTR variant.
Genome position (GRCh38, 1-based): chr16:88,856,945, G>A on the plus strand (C>T on the coding strand, the complement: GALNS is on the minus strand). VCF-style: chr16-88856945-G-A. GRCh37 (hg19) VCF-style: chr16-88923353-G-A.
Other names: c.-499C>T (NM_001323543.2); c.-220C>T (NM_001323544.2).
Identifiers: ClinVar variation 321214 (VCV000321214.11), dbSNP rs144789309, ClinGen allele CA10648361.

ClinVar aggregate classification (germline): Benign/Likely benign. Review status: criteria provided, multiple submitters, no conflicts (2 of 4 stars). 4 submissions from 4 submitters: Benign (2); Likely benign (2). Last evaluated 2021-11-07.

Conditions:
Mucopolysaccharidosis, MPS-IV-A (MPS4A). Also called: Mucopolysaccharidosis type IV A; Mucopolysaccharidosis Type IVA; Morquio syndrome A, mild; MORQUIO SYNDROME A; MPS IVA; mucopolysaccharidosis type 4A. Identifiers: Orphanet 309297, Orphanet 582, MedGen C0086651, MONDO:0009659, OMIM 253000.

Allele frequency attached by ClinVar (database versions not stated): gnomAD exomes 0.00080; gnomAD 0.00947 and 0.01019; TOPMed 0.01015; 1000 Genomes Project 30x 0.01171; 1000 Genomes Project 0.01198.
gnomAD v4.1: 2,569 of 1,453,252 alleles (0.18%); highest among the groups gnomAD compares: African/African-American, 3.3%; 44 homozygotes.

Submissions (4):

Genome-Nilou Lab
Classification: Benign for Mucopolysaccharidosis, MPS-IV-A. Last evaluated: 2021-11-07. Review status: criteria provided, single submitter. Criteria: ACMG Guidelines, 2015. Collection method: clinical testing. Allele origin: germline. Affected: no.

GeneDx
Classification: Likely benign. Last evaluated: 2019-11-13. Review status: criteria provided, single submitter. Criteria: GeneDx Variant Classification Process June 2021. Collection method: clinical testing. Allele origin: germline. Affected: yes.

Illumina Laboratory Services, Illumina
Classification: Benign for Mucopolysaccharidosis, MPS-IV-A. Last evaluated: 2018-01-13. Review status: criteria provided, single submitter. Criteria: ICSL Variant Classification Criteria 13 December 2019. Collection method: clinical testing. Allele origin: germline.
Comment: This variant was observed in the ICSL laboratory as part of a predisposition screen in an ostensibly healthy population. It had not been previously curated by ICSL or reported in the Human Gene Mutation Database (HGMD: prior to June 1st, 2018), and was therefore a candidate for classification through an automated scoring system. Utilizing variant allele frequency, disease prevalence and penetrance estimates, and inheritance mode, an automated score was calculated to assess if this variant is too frequent to cause the disease. Based on the score and internal cut-off values, a variant classified as benign is not then subjected to further curation. The score for this variant resulted in a classification of benign for this disease.

Breakthrough Genomics
Classification: Likely benign. Review status: criteria provided, single submitter. Criteria: ACMG Guidelines, 2015. Collection method: not provided. Allele origin: germline. Inheritance: Autosomal recessive inheritance. Affected: yes.